The following is an entry in ClinVar:

ClinVar aggregate classification (germline): Uncertain significance (1 of 4 stars; one submission).

Allele frequency attached by ClinVar (database versions not stated): TOPMed below 0.00001; ExAC 0.00001; gnomAD 0.00001.
gnomAD v4.1: 10 of 1,614,156 alleles (0.00062%); highest among the groups gnomAD compares: East Asian, 0.0067%; no homozygotes.

Submission:

Labcorp Genetics (formerly Invitae), Labcorp
Classification: Uncertain significance. Last evaluated: 2024-03-18. Review status: criteria provided, single submitter. Criteria: Invitae Variant Classification Sherloc (09022015). Collection method: clinical testing. Allele origin: germline.
Comment: This sequence change replaces methionine, which is neutral and non-polar, with valine, which is neutral and non-polar, at codon 391 of the IRF2BP2 protein (p.Met391Val). This variant is present in population databases (rs776982084, gnomAD 0.02%). This variant has not been reported in the literature in individuals affected with IRF2BP2-related conditions. ClinVar contains an entry for this variant (Variation ID: 1951024). An algorithm developed to predict the effect of missense changes on protein structure and function (PolyPhen-2) suggests that this variant is likely to be tolerated. In summary, the available evidence is currently insufficient to determine the role of this variant in disease. Therefore, it has been classified as a Variant of Uncertain Significance.

NM_182972.3(IRF2BP2):c.1171A>G (p.Met391Val)

Gene: IRF2BP2 (interferon regulatory factor 2 binding protein 2; minus strand). Cytogenetic location: 1q42.3.
Variant type: single nucleotide variant.
Coding change: c.1171A>G on transcript NM_182972.3 (MANE Select); coding-DNA position 1171, A replaced by G.
Protein change: p.Met391Val; replaces methionine 391 with valine.
Molecular consequence: missense variant.
Genome position (GRCh38, 1-based): chr1:234,607,730, T>C on the plus strand (A>G on the coding strand, the complement: IRF2BP2 is on the minus strand). VCF-style: chr1-234607730-T-C. GRCh37 (hg19) VCF-style: chr1-234743476-T-C.
Other names: c.1123A>G, p.Met375Val (NM_001077397.1); short protein forms M375V, M391V.
Identifiers: ClinVar variation 1951024 (VCV001951024.5), dbSNP rs776982084, ClinGen allele CA1461625.